The following is an entry in ClinVar:

ClinVar aggregate classification (germline): Likely benign (1 of 4 stars; one submission).

Conditions:
UCP3-related disorder. Also called: UCP3-related condition.

gnomAD v4.1: 6 of 1,611,692 alleles (0.00037%); highest among the groups gnomAD compares: Non-Finnish European, 0.00051%; no homozygotes.

Submission:

PreventionGenetics, part of Exact Sciences
Classification: Likely benign for UCP3-related condition. Last evaluated: 2025-09-24. Review status: criteria provided, single submitter. Criteria: ACMG Guidelines, 2015. Collection method: clinical testing. Allele origin: germline.
Comment: This variant is classified as likely benign based on ACMG/AMP sequence variant interpretation guidelines (Richards et al. 2015 PMID: 25741868, with internal and published modifications).

NM_003356.4(UCP3):c.542-8C>T

Genes: UCP3 (uncoupling protein 3; minus strand), LOC126861261 (MED14-independent group 3 enhancer GRCh37_chr11:73715060-73716259; plus strand). Cytogenetic location: 11q13.4.
Variant type: single nucleotide variant.
Coding change: c.542-8C>T on transcript NM_003356.4 (MANE Select); 8 bases into the intron before coding-DNA position 542, C replaced by T.
Molecular consequence: intron variant.
Genome position (GRCh38, 1-based): chr11:74,004,593, G>A on the plus strand (C>T on the coding strand, the complement: UCP3 is on the minus strand). VCF-style: chr11-74004593-G-A. GRCh37 (hg19) VCF-style: chr11-73715638-G-A.
Other names: c.542-8C>T (NM_022803.3).
Identifiers: ClinVar variation 4999389 (VCV004999389.1).
Genomic context (GRCh38, chr11:74,004,593, plus strand): 5'-CACCACCTCAGCACAGTTGACGATAGCATTCCTCATGATGTTGGGCAAAGTTCCTGTTAG[G>A]AAGGCGGTGGGGAGGGATGTGAAATGGGTGGGGAGGGAGGAATGGGAAATGGGAGAAATG-3'